The following is an entry in ClinVar:

ClinVar aggregate classification (germline): Uncertain significance. Review status: criteria provided, multiple submitters, no conflicts (2 of 4 stars). 2 submissions from 2 submitters: Uncertain significance (2). Last evaluated 2025-10-15.

Conditions:
Inborn genetic diseases. Identifiers: MedGen C0950123, MeSH D030342.
Neuromuscular disease. Also called: Neuromyopathy; Neuromuscular disorder. Identifiers: Orphanet 68381, MedGen C0027868, MeSH D009468, MONDO:0019056.

gnomAD v4.1: 8 of 1,493,068 alleles (0.00054%); highest among the groups gnomAD compares: Non-Finnish European, 0.00027%; no homozygotes.

Submissions (2):

Broad Center for Mendelian Genomics, Broad Institute of MIT and Harvard
Classification: Uncertain significance for Neuromuscular disease. Last evaluated: 2025-10-15. Review status: criteria provided, single submitter. Criteria: ACMG Guidelines, 2015. Collection method: curation. Allele origin: germline. Inheritance: Autosomal recessive inheritance. Study: GREGoR Consortium.
Comment: While this gene is still lacking sufficient evidence, we believe this is a possible novel mode of inheritance for neuromuscular disease. Given the limited information about this gene and mode of inheritance, the significance of the p.Ser514Leu variant is uncertain. If you have any additional information about functional evidence or other individuals with this phenotype that also have variants in MSTO1 we encourage you to reach out to us.

Ambry Genetics
Classification: Uncertain significance for Inborn genetic diseases. Last evaluated: 2025-04-25. Review status: criteria provided, single submitter. Criteria: Ambry Variant Classification Scheme 2023. Collection method: clinical testing. Allele origin: germline.

NM_018116.4(MSTO1):c.1541C>T (p.Ser514Leu)

Gene: MSTO1 (misato mitochondrial distribution and morphology regulator 1; plus strand). Cytogenetic location: 1q22.
Variant type: single nucleotide variant.
Coding change: c.1541C>T on transcript NM_018116.4 (MANE Select); coding-DNA position 1541, C replaced by T.
Protein change: p.Ser514Leu; replaces serine 514 with leucine.
Molecular consequence: missense variant. On other transcripts: synonymous variant (6), non-coding transcript variant (6).
Genome position (GRCh38, 1-based): chr1:155,614,101, C>T. VCF-style: chr1-155614101-C-T. GRCh37 (hg19) VCF-style: chr1-155583892-C-T.
Other names: NM_018116.4:c.1541C>T; c.1010C>T, p.Ser337Leu (NM_001350779.1, NM_001350777.1, NM_001350778.1); c.1007C>T, p.Ser336Leu (NM_001350780.1, NM_001350781.1, NM_001350782.1); c.1004C>T, p.Ser335Leu (NM_001350783.1); c.998C>T, p.Ser333Leu (NM_001350784.1, NM_001350785.1); c.1044C>T, p.Phe348= (NM_001350786.1); c.965C>T, p.Ser322Leu (NM_001350787.1); c.1032C>T, p.Phe344= (NM_001350788.1); and 9 more; short protein forms S322L, S333L, S335L, S336L, S337L, S459L, S502L, S503L.
Identifiers: ClinVar variation 3383322 (VCV003383322.3).